The following is an entry in ClinVar:

ClinVar aggregate classification (germline): Uncertain significance (1 of 4 stars; one submission).

Conditions:
Long QT syndrome (LQTS). Identifiers: MedGen C0023976, MeSH D008133, MONDO:0002442. Disease mechanism: loss of function. Inheritance: Various modes of inheritance.

Submission:

All of Us Research Program, National Institutes of Health
Classification: Uncertain significance for Long QT syndrome. Last evaluated: 2023-03-07. Review status: criteria provided, single submitter. Criteria: ACMG Guidelines, 2015. Collection method: clinical testing. Allele origin: germline. Inheritance: Autosomal dominant inheritance. Observed: 1 variant allele, 1 heterozygote.
Comment: This missense variant replaces leucine with valine at codon 491 of the KCNQ1 protein. Computational prediction is inconclusive regarding the impact of this variant on protein structure and function (internally defined REVEL score threshold 0.5 < inconclusive < 0.7, PMID: 27666373). To our knowledge, functional studies have not been reported for this variant. This variant has not been reported in individuals affected with KCNQ1-related disorders in the literature. This variant has not been identified in the general population by the Genome Aggregation Database (gnomAD). The available evidence is insufficient to determine the role of this variant in disease conclusively. Therefore, this variant is classified as a Variant of Uncertain Significance.

This study involves interpretation of variants in research participants for the purpose of population health screening. Participant phenotype was not available at the time of variant classification. Additional details can be found in publication PMID: 35346344, PMCID: PMC8962531

NM_000218.3(KCNQ1):c.1471C>G (p.Leu491Val)

Genes: KCNQ1 (potassium voltage-gated channel subfamily Q member 1; plus strand), KCNQ1OT1 (KCNQ1 opposite strand/antisense transcript 1; minus strand). Cytogenetic location: 11p15.5.
Variant type: single nucleotide variant.
Coding change: c.1471C>G on transcript NM_000218.3 (MANE Select); coding-DNA position 1471, C replaced by G.
Protein change: p.Leu491Val; replaces leucine 491 with valine.
Molecular consequence: missense variant. On other transcripts: non-coding transcript variant (1).
Genome position (GRCh38, 1-based): chr11:2,662,038, C>G. VCF-style: chr11-2662038-C-G. GRCh37 (hg19) VCF-style: chr11-2683268-C-G.
Other names: c.1375C>G, p.Leu459Val (NM_001406836.1); c.1201C>G, p.Leu401Val (NM_001406837.1); c.931C>G, p.Leu311Val (NM_001406838.1); c.1090C>G, p.Leu364Val (NM_181798.2); short protein forms L311V, L364V, L401V, L459V, L491V.
Identifiers: ClinVar variation 3069749 (VCV003069749.1), dbSNP rs2493870326, ClinGen allele CA379479685.
Genomic context (GRCh38, chr11:2,662,038, plus strand): 5'-CTGCTGGAAGTGAGCATGCCCCATTTCATGAGAACCAACAGCTTCGCCGAGGACCTGGAC[C>G]TGGAAGGGGAGACTCTGCTGACACCCATCACCCACATCTCACAGTGAGTGCCTACATGTG-3'
Protein context (NP_000209.2, residues 481-501): RTNSFAEDLD[Leu491Val]EGETLLTPIT